The following is an entry in ClinVar:

NM_001693.4(ATP6V1B2):c.981G>A (p.Met327Ile)

Gene: ATP6V1B2 (ATPase H+ transporting V1 subunit B2; plus strand). Cytogenetic location: 8p21.3.
Variant type: single nucleotide variant.
Coding change: c.981G>A on transcript NM_001693.4 (MANE Select); coding-DNA position 981, G replaced by A.
Protein change: p.Met327Ile; replaces methionine 327 with isoleucine.
Molecular consequence: missense variant.
Genome position (GRCh38, 1-based): chr8:20,214,871, G>A. VCF-style: chr8-20214871-G-A. GRCh37 (hg19) VCF-style: chr8-20072382-G-A.
Other names: short protein forms M327I.
Identifiers: ClinVar variation 3893337 (VCV003893337.2).

ClinVar aggregate classification (germline): Pathogenic/Likely pathogenic. Review status: criteria provided, multiple submitters, no conflicts (2 of 4 stars). 2 submissions from 2 submitters: Pathogenic (1); Likely pathogenic (1). Last evaluated 2026-06-02.

Conditions:
Autosomal dominant deafness - onychodystrophy syndrome. Also called: DDOD SYNDROME; Deafness, congenital, with onychodystrophy, autosomal dominant. Identifiers: Orphanet 3231, Orphanet 79499, MedGen C2675730, MONDO:0007420, OMIM 124480.
Zimmermann-Laband syndrome 2 (ZLS2). Identifiers: Orphanet 3473, MedGen C4225321, MONDO:0014646, OMIM 616455.

Submissions (2):

Clinical Genetics Laboratory, Skane University Hospital Lund
Classification: Likely pathogenic for Autosomal dominant deafness - onychodystrophy syndrome; Zimmermann-Laband syndrome 2. Last evaluated: 2026-06-02. Review status: criteria provided, single submitter. Criteria: ACMG Guidelines, 2015. Collection method: clinical testing. Allele origin: germline. Inheritance: Autosomal dominant inheritance. Affected: yes.
Comment: ACMG criteria: PS2_Moderate, PS4, PM2 and PP3.

GeneDx
Classification: Pathogenic. Last evaluated: 2024-10-22. Review status: criteria provided, single submitter. Criteria: GeneDx Variant Classification Process June 2021. Collection method: clinical testing. Allele origin: germline. Affected: yes.
Comment: Not observed at significant frequency in large population cohorts (gnomAD); In silico analysis supports that this missense variant has a deleterious effect on protein structure/function; Has not been previously published as pathogenic or benign to our knowledge